The following is an entry in ClinVar:

NM_000824.5(GLRB):c.567G>T (p.Leu189Phe)

Gene: GLRB (glycine receptor beta; plus strand). Cytogenetic location: 4q32.1.
Variant type: single nucleotide variant.
Coding change: c.567G>T on transcript NM_000824.5 (MANE Select); coding-DNA position 567, G replaced by T.
Protein change: p.Leu189Phe; replaces leucine 189 with phenylalanine.
Molecular consequence: missense variant.
Genome position (GRCh38, 1-based): chr4:157,136,843, G>T. VCF-style: chr4-157136843-G-T. GRCh37 (hg19) VCF-style: chr4-158057995-G-T.
Other names: c.567G>T, p.Leu189Phe (NM_001166060.2, NM_001166061.2); short protein forms L189F.
Identifiers: ClinVar variation 1406050 (VCV001406050.6), dbSNP rs752345500, ClinGen allele CA358642881.

ClinVar aggregate classification (germline): Uncertain significance (1 of 4 stars; one submission).

Conditions:
Hyperekplexia 2 (HKPX2). Identifiers: Orphanet 3197, MedGen C3553291, MONDO:0013828, OMIM 614619.

Allele frequency attached by ClinVar (database versions not stated): TOPMed below 0.00001.
gnomAD v4.1: 1 of 1,610,926 alleles (0.000062%); highest among the groups gnomAD compares: Non-Finnish European, 0.000085%; no homozygotes.

Submission:

Labcorp Genetics (formerly Invitae), Labcorp
Classification: Uncertain significance for Hyperekplexia 2. Last evaluated: 2022-03-19. Review status: criteria provided, single submitter. Criteria: Invitae Variant Classification Sherloc (09022015). Collection method: clinical testing. Allele origin: germline.
Comment: In summary, the available evidence is currently insufficient to determine the role of this variant in disease. Therefore, it has been classified as a Variant of Uncertain Significance. Advanced modeling of protein sequence and biophysical properties (such as structural, functional, and spatial information, amino acid conservation, physicochemical variation, residue mobility, and thermodynamic stability) performed at Invitae indicates that this missense variant is not expected to disrupt GLRB protein function. This variant has not been reported in the literature in individuals affected with GLRB-related conditions. This variant is not present in population databases (gnomAD no frequency). This sequence change replaces leucine, which is neutral and non-polar, with phenylalanine, which is neutral and non-polar, at codon 189 of the GLRB protein (p.Leu189Phe).